The following is an entry in ClinVar:

ClinVar aggregate classification (germline): Pathogenic (1 of 4 stars; one submission).

Submission:

Labcorp Genetics (formerly Invitae), Labcorp
Classification: Pathogenic. Last evaluated: 2022-04-10. Review status: criteria provided, single submitter. Criteria: Invitae Variant Classification Sherloc (09022015). Collection method: clinical testing. Allele origin: germline.
Comment: Algorithms developed to predict the effect of sequence changes on RNA splicing suggest that this variant may disrupt the consensus splice site. For these reasons, this variant has been classified as Pathogenic. This premature translational stop signal has been observed in individual(s) with inherited retinal dystrophy (PMID: 31054281). This variant is not present in population databases (gnomAD no frequency). This sequence change creates a premature translational stop signal (p.Gln1718*) in the USH2A gene. It is expected to result in an absent or disrupted protein product. Loss-of-function variants in USH2A are known to be pathogenic (PMID: 10729113, 10909849, 20507924, 25649381).

Literature cited by the submitters: PubMed 31054281; PubMed 10729113; PubMed 10909849; PubMed 20507924; PubMed 25649381.

NM_206933.4(USH2A):c.5152C>T (p.Gln1718Ter)

Genes: USH2A (usherin; minus strand), USH2A-AS2 (USH2A antisense RNA 2; plus strand). Cytogenetic location: 1q41.
Variant type: single nucleotide variant.
Coding change: c.5152C>T on transcript NM_206933.4 (MANE Select); coding-DNA position 5152, C replaced by T.
Protein change: p.Gln1718Ter; replaces glutamine 1718 with a stop codon.
Molecular consequence: nonsense.
Genome position (GRCh38, 1-based): chr1:216,084,713, G>A on the plus strand (C>T on the coding strand, the complement: USH2A is on the minus strand). VCF-style: chr1-216084713-G-A. GRCh37 (hg19) VCF-style: chr1-216258055-G-A.
Other names: short protein forms Q1718*.
Identifiers: ClinVar variation 1916213 (VCV001916213.5), dbSNP rs2527808332, ClinGen allele CA344858736.